The following is an entry in ClinVar:

NM_000426.4(LAMA2):c.4730A>C (p.Glu1577Ala)

Gene: LAMA2 (laminin subunit alpha 2; plus strand). Cytogenetic location: 6q22.33.
Variant type: single nucleotide variant.
Coding change: c.4730A>C on transcript NM_000426.4 (MANE Select); coding-DNA position 4730, A replaced by C.
Protein change: p.Glu1577Ala; replaces glutamic acid 1577 with alanine.
Molecular consequence: missense variant.
Genome position (GRCh38, 1-based): chr6:129,366,231, A>C. VCF-style: chr6-129366231-A-C. GRCh37 (hg19) VCF-style: chr6-129687376-A-C.
Other names: c.4730A>C, p.Glu1577Ala (NM_001079823.2); short protein forms E1577A.
Identifiers: ClinVar variation 2054795 (VCV002054795.1), dbSNP rs1777765868, ClinGen allele CA365622548.
Genomic context (GRCh38, chr6:129,366,231, plus strand): 5'-TGGGATGTTTAGCAGAAGTAACTACTCTTTGTCACTTCTCTTTCACAGTTTGTGGAGATG[A>C]GTGCACTGGCCTTCTTCTCGGTGACTTGGCTCGCCTGGAGCAGATGGTCATGAGCATCAA-3'
Protein context (NP_000417.3, residues 1567-1587): EGWECVFCGD[Glu1577Ala]CTGLLLGDLA

ClinVar aggregate classification (germline): Uncertain significance (1 of 4 stars; one submission).

Conditions:
LAMA2-related muscular dystrophy (LAMA2-RD). Also called: Laminin alpha 2-related dystrophy. Identifiers: MedGen C5679788, MONDO:0100228.

Allele frequency attached by ClinVar (database versions not stated): TOPMed 0.00001.
gnomAD v4.1: 5 of 1,613,174 alleles (0.00031%); no homozygotes.

Submission:

Labcorp Genetics (formerly Invitae), Labcorp
Classification: Uncertain significance for LAMA2-related muscular dystrophy. Last evaluated: 2022-06-13. Review status: criteria provided, single submitter. Criteria: Invitae Variant Classification Sherloc (09022015). Collection method: clinical testing. Allele origin: germline.
Comment: This sequence change replaces glutamic acid, which is acidic and polar, with alanine, which is neutral and non-polar, at codon 1577 of the LAMA2 protein (p.Glu1577Ala). This variant is not present in population databases (gnomAD no frequency). This variant has not been reported in the literature in individuals affected with LAMA2-related conditions. Advanced modeling of protein sequence and biophysical properties (such as structural, functional, and spatial information, amino acid conservation, physicochemical variation, residue mobility, and thermodynamic stability) performed at Invitae indicates that this missense variant is not expected to disrupt LAMA2 protein function. In summary, the available evidence is currently insufficient to determine the role of this variant in disease. Therefore, it has been classified as a Variant of Uncertain Significance.